The following is an entry in ClinVar:

ClinVar aggregate classification (germline): Uncertain significance (1 of 4 stars; one submission).

Submission:

Dasa
Classification: Uncertain significance. Last evaluated: 2025-06-12. Review status: criteria provided, single submitter. Criteria: DASA Assertion Criteria. Collection method: clinical testing. Allele origin: germline.
Comment: NM_005477.3(HCN4):c.1228G>C (p.Asp410His) is a missense variant that results in the substitution of aspartic acid with histidine. This variant is absent from population databases. Computational prediction algorithms are consistent with a deleterious effect. The currently available literature and clinical evidence are not sufficient to establish a definitive association between this variant and the reported condition. Therefore, this variant is classified as a variant of uncertain significance.

NM_005477.3(HCN4):c.1228G>C (p.Asp410His)

Gene: HCN4 (hyperpolarization activated cyclic nucleotide gated potassium channel 4; minus strand). Cytogenetic location: 15q24.1.
Variant type: single nucleotide variant.
Coding change: c.1228G>C on transcript NM_005477.3 (MANE Select); coding-DNA position 1228, G replaced by C.
Protein change: p.Asp410His; replaces aspartic acid 410 with histidine.
Molecular consequence: missense variant.
Genome position (GRCh38, 1-based): chr15:73,332,274, C>G on the plus strand (G>C on the coding strand, the complement: HCN4 is on the minus strand). VCF-style: chr15-73332274-C-G. GRCh37 (hg19) VCF-style: chr15-73624615-C-G.
Other names: short protein forms D410H.
Identifiers: ClinVar variation 4883097 (VCV004883097.2).